The following is an entry in ClinVar:

ClinVar aggregate classification (germline): Uncertain significance (1 of 4 stars; one submission).

Conditions:
Cardiovascular phenotype. Identifiers: MedGen CN230736.

Submission:

Ambry Genetics
Classification: Uncertain significance for Cardiovascular phenotype. Last evaluated: 2025-04-05. Review status: criteria provided, single submitter. Criteria: Ambry Variant Classification Scheme 2023. Collection method: clinical testing. Allele origin: germline.
Comment: The p.A613P variant (also known as c.1837G>C), located in coding exon 14 of the LAMA4 gene, results from a G to C substitution at nucleotide position 1837. The alanine at codon 613 is replaced by proline, an amino acid with highly similar properties. This amino acid position is conserved. In addition, the in silico prediction for this alteration is inconclusive. Based on the available evidence, the clinical significance of this variant remains unclear.

NM_001105206.3(LAMA4):c.1858G>C (p.Ala620Pro)

Gene: LAMA4 (laminin subunit alpha 4; minus strand). Cytogenetic location: 6q21.
Variant type: single nucleotide variant.
Coding change: c.1858G>C on transcript NM_001105206.3 (MANE Select); coding-DNA position 1858, G replaced by C.
Protein change: p.Ala620Pro; replaces alanine 620 with proline.
Molecular consequence: missense variant.
Genome position (GRCh38, 1-based): chr6:112,155,666, C>G on the plus strand (G>C on the coding strand, the complement: LAMA4 is on the minus strand). VCF-style: chr6-112155666-C-G. GRCh37 (hg19) VCF-style: chr6-112476868-C-G.
Other names: c.1837G>C, p.Ala613Pro (NM_001105207.3, NM_002290.5); short protein forms A613P, A620P.
Identifiers: ClinVar variation 4045940 (VCV004045940.1).